The following is an entry in ClinVar:

ClinVar aggregate classification (germline): Uncertain significance (1 of 4 stars; one submission).

Conditions:
Hereditary cancer-predisposing syndrome. Also called: Hereditary Cancer Syndrome; Hereditary neoplastic syndrome; Neoplastic Syndromes, Hereditary; Tumor predisposition. Identifiers: Orphanet 140162, MedGen C0027672, MeSH D009386, MONDO:0015356.

Submission:

Ambry Genetics
Classification: Uncertain significance for Hereditary cancer-predisposing syndrome. Last evaluated: 2025-08-05. Review status: criteria provided, single submitter. Criteria: Ambry Variant Classification Scheme 2023. Collection method: clinical testing. Allele origin: germline.
Comment: The p.T868N variant (also known as c.2603C>A), located in coding exon 10 of the BRCA2 gene, results from a C to A substitution at nucleotide position 2603. The threonine at codon 868 is replaced by asparagine, an amino acid with similar properties. This amino acid position is well conserved in available vertebrate species. In addition, this alteration is predicted to be tolerated by in silico analysis. Based on the available evidence, the clinical significance of this variant remains unclear.

NM_000059.4(BRCA2):c.2603C>A (p.Thr868Asn)

Gene: BRCA2 (BRCA2 DNA repair associated; plus strand). Cytogenetic location: 13q13.1.
Variant type: single nucleotide variant.
Coding change: c.2603C>A on transcript NM_000059.4 (MANE Select); coding-DNA position 2603, C replaced by A.
Protein change: p.Thr868Asn; replaces threonine 868 with asparagine.
Molecular consequence: missense variant. On other transcripts: non-coding transcript variant (1), intron variant (2).
Genome position (GRCh38, 1-based): chr13:32,336,958, C>A. VCF-style: chr13-32336958-C-A. GRCh37 (hg19) VCF-style: chr13-32911095-C-A.
Other names: c.2603C>A, p.Thr868Asn (NM_001432077.1, NM_001406719.1, NM_001406720.1); c.1909+3571C>A (NM_001406721.1); c.424+5928C>A (NM_001406722.1); short protein forms T868N.
Identifiers: ClinVar variation 4215872 (VCV004215872.1).
Genomic context (GRCh38, chr13:32,336,958, plus strand): 5'-AGGTACAATTCAACCAAAACACAAATCTAAGAGTAATCCAAAAAAATCAAGAAGAAACTA[C>A]TTCAATTTCAAAAATAACTGTCAATCCAGACTCTGAAGAACTTTTCTCAGACAATGAGAA-3'
Protein context (NP_000050.3, residues 858-878): RVIQKNQEET[Thr868Asn]SISKITVNPD